The following is an entry in ClinVar:

NM_006267.5(RANBP2):c.1729C>A (p.His577Asn)

Gene: RANBP2 (RAN binding protein 2; plus strand). Cytogenetic location: 2q13.
Variant type: single nucleotide variant.
Coding change: c.1729C>A on transcript NM_006267.5 (MANE Select); coding-DNA position 1729, C replaced by A.
Protein change: p.His577Asn; replaces histidine 577 with asparagine.
Molecular consequence: missense variant.
Genome position (GRCh38, 1-based): chr2:108,751,968, C>A. VCF-style: chr2-108751968-C-A. GRCh37 (hg19) VCF-style: chr2-109368424-C-A.
Other names: short protein forms H577N.
Identifiers: ClinVar variation 1435088 (VCV001435088.9), dbSNP rs1197834920, ClinGen allele CA348050416.

ClinVar aggregate classification (germline): Uncertain significance (1 of 4 stars; one submission).

Conditions:
Familial acute necrotizing encephalopathy (IIAE3). Also called: ENCEPHALOPATHY, ACUTE, INFECTION-INDUCED, SUSCEPTIBILITY TO, 3; Susceptibility to Acute Necrotizing Encephalopathy 1. Identifiers: Orphanet 88619, MedGen C2675556, MONDO:0011953, OMIM 608033.

Submission:

Labcorp Genetics (formerly Invitae), Labcorp
Classification: Uncertain significance for Familial acute necrotizing encephalopathy. Last evaluated: 2021-06-28. Review status: criteria provided, single submitter. Criteria: Invitae Variant Classification Sherloc (09022015). Collection method: clinical testing. Allele origin: germline.
Comment: This sequence change replaces histidine with asparagine at codon 577 of the RANBP2 protein (p.His577Asn). The histidine residue is highly conserved and there is a small physicochemical difference between histidine and asparagine. This variant is not present in population databases (ExAC no frequency). This variant has not been reported in the literature in individuals affected with RANBP2-related conditions. Algorithms developed to predict the effect of missense changes on protein structure and function are either unavailable or do not agree on the potential impact of this missense change (SIFT: "Deleterious"; PolyPhen-2: "Benign"; Align-GVGD: "Class C65"). In summary, the available evidence is currently insufficient to determine the role of this variant in disease. Therefore, it has been classified as a Variant of Uncertain Significance.